The following is an entry in ClinVar:

ClinVar aggregate classification (germline): Benign/Likely benign. Review status: criteria provided, multiple submitters, no conflicts (2 of 4 stars). 16 submissions from 16 submitters: Benign (6); Likely benign (5). 5 of the submissions do not count toward it. Last evaluated 2026-10-01.

Conditions:
MYH6-related disorder. Also called: MYH6-Related Disorders; MYH6-related condition.
Dilated cardiomyopathy 1EE (CMD1EE). Identifiers: Orphanet 154, MedGen C2750466, MONDO:0013198, OMIM 613252.
Hypertrophic cardiomyopathy 14. Identifiers: MedGen C2750467, MONDO:0013197, OMIM 613251.
Atrial septal defect 3 (ASD3). Identifiers: Orphanet 1478, MedGen C3279790, MONDO:0013567, OMIM 614089.
Hypertrophic cardiomyopathy 1 (CMH1). Also called: Familial hypertrophic cardiomyopathy 1; MYH7-Related Familial Hypertrophic Cardiomyopathy. Identifiers: MedGen C3495498, MONDO:0008647, OMIM 192600.
Sick sinus syndrome 3, susceptibility to (SSS3). Identifiers: Orphanet 166282, MedGen C3279791, MONDO:0013568, OMIM 614090.
Cardiovascular phenotype. Identifiers: MedGen CN230736.
Cardiomyopathy (CMYO). Also called: Cardiomyopathies. Identifiers: Orphanet 167848, MedGen C0878544, MONDO:0004994, HP:0001638. Inheritance: Various modes of inheritance.

Allele frequency attached by ClinVar (database versions not stated): gnomAD 0.00451 and 0.00431; ExAC 0.00518; gnomAD exomes 0.00667 and 0.00468; TOPMed 0.00410; 1000 Genomes Project 0.00100; 1000 Genomes Project 30x 0.00141; ESP Exome Variant Server 0.00569.
gnomAD v4.1: 10,366 of 1,614,172 alleles (0.64%); highest among the groups gnomAD compares: Non-Finnish European, 0.8%; 55 homozygotes.

Submissions (16):

CeGaT Center for Human Genetics Tuebingen
Classification: Benign. Last evaluated: 2026-10-01. Review status: criteria provided, single submitter. Criteria: CeGaT Center For Human Genetics Tuebingen Variant Classification Criteria Version 2. Collection method: clinical testing. Allele origin: germline. Affected: yes. Observed: 15 variant alleles.
Comment: MYH6: BP4, BP7, BS1, BS2

Labcorp Genetics (formerly Invitae), Labcorp
Classification: Benign for Hypertrophic cardiomyopathy 14. Last evaluated: 2026-02-02. Review status: criteria provided, single submitter. Criteria: Invitae Variant Classification Sherloc (09022015). Collection method: clinical testing. Allele origin: germline.

ARUP Laboratories, Molecular Genetics and Genomics, ARUP Laboratories
Classification: Benign. Last evaluated: 2025-07-10. Review status: criteria provided, single submitter. Criteria: ARUP Molecular Germline Variant Investigation Process 2024. Collection method: clinical testing. Allele origin: germline.

Blueprint Genetics
Classification: Likely benign. Last evaluated: 2024-11-26. Review status: criteria provided, single submitter. Criteria: ACMG Guidelines, 2015. Collection method: clinical testing. Allele origin: germline.

Fulgent Genetics
Classification: Likely benign for Hypertrophic cardiomyopathy 1; Hypertrophic cardiomyopathy 14; Dilated cardiomyopathy 1EE; Atrial septal defect 3; Sick sinus syndrome 3, susceptibility to. Last evaluated: 2021-09-18. Review status: criteria provided, single submitter. Criteria: ACMG Guidelines, 2015. Collection method: clinical testing. Allele origin: unknown.

GeneDx
Classification: Benign. Last evaluated: 2016-11-17. Review status: criteria provided, single submitter. Criteria: GeneDx Variant Classification (06012015). Collection method: clinical testing. Allele origin: germline. Affected: yes.
Comment: This variant is considered likely benign or benign based on one or more of the following criteria: it is a conservative change, it occurs at a poorly conserved position in the protein, it is predicted to be benign by multiple in silico algorithms, and/or has population frequency not consistent with disease.

CHEO Genetics Diagnostic Laboratory, Children's Hospital of Eastern Ontario
Classification: Benign for Cardiomyopathy. Last evaluated: 2016-03-11. Review status: criteria provided, single submitter. Criteria: ACMG Guidelines, 2015. Collection method: clinical testing. Allele origin: germline. Study: Canadian Open Genetics Repository.

Ambry Genetics
Classification: Likely benign for Cardiovascular phenotype. Last evaluated: 2015-05-06. Review status: criteria provided, single submitter. Criteria: Ambry Variant Classification Scheme 2023. Collection method: clinical testing. Allele origin: germline.

Eurofins Ntd Llc (ga)
Classification: Likely benign. Last evaluated: 2015-02-10. Review status: criteria provided, single submitter. Criteria: EGL Classification Definitions 2015. Collection method: clinical testing. Allele origin: germline. Observed: 1 variant allele, 1 heterozygote.

Laboratory for Molecular Medicine, Mass General Brigham Personalized Medicine
Classification: Benign. Last evaluated: 2012-02-22. Review status: criteria provided, single submitter. Criteria: LMM Criteria. Collection method: clinical testing. Allele origin: germline. Observed: 15 variant alleles.
Comment: Asn663Asn in exon 17 of MYH6: This variant is not expected to have clinical sign ificance because it does not change an amino acid residue and has been identifie d in 0.7% (51/7020) of European American chromosomes from a broad population by the NHLBI Exome Sequencing Project (dbSNP rs28 730774).

Breakthrough Genomics
Classification: Likely benign. Review status: criteria provided, single submitter. Criteria: ACMG Guidelines, 2015. Collection method: not provided. Allele origin: germline. Inheritance: Autosomal dominant inheritance. Affected: yes.

PreventionGenetics, part of Exact Sciences
Classification: Benign for MYH6-related condition. Last evaluated: 2020-11-16. Review status: no assertion criteria provided. Collection method: clinical testing. Allele origin: germline. Not counted in ClinVar's aggregate classification.
Comment: This variant is classified as benign based on ACMG/AMP sequence variant interpretation guidelines (Richards et al. 2015 PMID: 25741868, with internal and published modifications).

Clinical Genetics DNA and cytogenetics Diagnostics Lab, Erasmus MC, Erasmus Medical Center
Classification: Likely benign. Review status: no assertion criteria provided. Collection method: clinical testing. Allele origin: germline. Affected: yes. Study: VKGL Data-share Consensus. Not counted in ClinVar's aggregate classification.

Clinical Genetics, Academic Medical Center
Classification: Benign. Review status: no assertion criteria provided. Collection method: clinical testing. Allele origin: germline. Affected: yes. Study: VKGL Data-share Consensus. Not counted in ClinVar's aggregate classification.

Diagnostic Laboratory, Department of Genetics, University Medical Center Groningen
Classification: Likely benign. Review status: no assertion criteria provided. Collection method: clinical testing. Allele origin: germline. Affected: yes. Study: VKGL Data-share Consensus. Not counted in ClinVar's aggregate classification.

Joint Genome Diagnostic Labs from Nijmegen and Maastricht, Radboudumc and MUMC+
Classification: Benign. Review status: no assertion criteria provided. Collection method: clinical testing. Allele origin: germline. Affected: yes. Study: VKGL Data-share Consensus. Not counted in ClinVar's aggregate classification.

NM_002471.4(MYH6):c.1989C>T (p.Asn663=)

Gene: MYH6 (myosin heavy chain 6; minus strand). Cytogenetic location: 14q11.2.
Variant type: single nucleotide variant.
Coding change: c.1989C>T on transcript NM_002471.4 (MANE Select); coding-DNA position 1989, C replaced by T.
Protein change: p.Asn663=; no amino-acid change (asparagine 663 retained).
Molecular consequence: synonymous variant.
Genome position (GRCh38, 1-based): chr14:23,397,231, G>A on the plus strand (C>T on the coding strand, the complement: MYH6 is on the minus strand). VCF-style: chr14-23397231-G-A. GRCh37 (hg19) VCF-style: chr14-23866440-G-A.
Identifiers: ClinVar variation 44460 (VCV000044460.69), dbSNP rs28730774, ClinGen allele CA134266.